The following is an entry in ClinVar:

NM_000179.3(MSH6):c.3226C>G (p.Arg1076Gly)

Gene: MSH6 (mutS homolog 6; plus strand). Cytogenetic location: 2p16.3.
Variant type: single nucleotide variant.
Coding change: c.3226C>G on transcript NM_000179.3 (MANE Select); coding-DNA position 3226, C replaced by G.
Protein change: p.Arg1076Gly; replaces arginine 1076 with glycine.
Molecular consequence: missense variant.
Genome position (GRCh38, 1-based): chr2:47,803,473, C>G. VCF-style: chr2-47803473-C-G. GRCh37 (hg19) VCF-style: chr2-48030612-C-G.
Other names: c.2836C>G, p.Arg946Gly (NM_001281492.2); c.2320C>G, p.Arg774Gly (NM_001281493.2, NM_001281494.2); short protein forms R1076G, R946G, R774G.
Identifiers: ClinVar variation 428337 (VCV000428337.25), dbSNP rs63750617, ClinGen allele CA070417.

ClinVar aggregate classification (germline): Pathogenic/Likely pathogenic. Review status: criteria provided, multiple submitters, no conflicts (2 of 4 stars). 7 submissions from 7 submitters: Pathogenic (3); Likely pathogenic (3). 1 of the submissions does not count toward it. Last evaluated 2026-03-10.

Conditions:
Hereditary nonpolyposis colorectal neoplasms. Identifiers: MedGen C0009405, MeSH D003123.
Hereditary cancer-predisposing syndrome. Also called: Tumor predisposition; Hereditary Cancer Syndrome; Hereditary neoplastic syndrome; Neoplastic Syndromes, Hereditary. Identifiers: Orphanet 140162, MedGen C0027672, MeSH D009386, MONDO:0015356.
Hereditary nonpolyposis colon cancer (HNPCC). Also called: Hereditary Nonpolyposis Colorectal Cancer Syndrome; Hereditary nonpolyposis colorectal cancer; Familial nonpolyposis colon cancer. Identifiers: Orphanet 443909, MedGen C1333990, MONDO:0018630. Disease mechanism: loss of function.
Lynch syndrome. Identifiers: Orphanet 144, MedGen C4552100, MONDO:0005835. Disease mechanism: loss of function.

gnomAD v4.1: 2 of 1,614,056 alleles (0.00012%); highest among the groups gnomAD compares: Non-Finnish European, 0.00017%; no homozygotes.

Submissions (7):

Women's Health and Genetics/Laboratory Corporation of America, LabCorp
Classification: Pathogenic for Hereditary nonpolyposis colon cancer. Last evaluated: 2026-03-10. Review status: criteria provided, single submitter. Criteria: LabCorp Variant Classification Summary - May 2015. Collection method: clinical testing. Allele origin: germline.
Comment: Variant summary: MSH6 c.3226C>G (p.Arg1076Gly) results in a non-conservative amino acid change in the encoded protein sequence. Algorithms developed to predict the effect of missense changes on protein structure and function all suggest that this variant is likely to be disruptive. The variant allele was found at a frequency of 4e-06 in 251346 control chromosomes. c.3226C>G has been observed in individual(s) affected with Lynch Syndrome (Salvador_2019, Yurgelun_2015, external_communication). These data indicate that the variant is likely to be associated with disease. Multiple variants located at the same codon (c.3226C>T, p.Arg1076Cys; c.3227G>A, p.Arg1076His) have been classified as pathogenic by our lab, supporting the critical relevance of codon 1076 to MSH6 protein function. To our knowledge, no experimental evidence demonstrating an impact on protein function has been reported. The following publications have been ascertained in the context of this evaluation (PMID: 30702970, 25980754). ClinVar contains an entry for this variant (Variation ID: 428337). Based on the evidence outlined above, the variant was classified as pathogenic.

Labcorp Genetics (formerly Invitae), Labcorp
Classification: Pathogenic for Hereditary nonpolyposis colorectal neoplasms. Last evaluated: 2025-05-12. Review status: criteria provided, single submitter. Criteria: Invitae Variant Classification Sherloc (09022015). Collection method: clinical testing. Allele origin: germline.
Comment: This sequence change replaces arginine, which is basic and polar, with glycine, which is neutral and non-polar, at codon 1076 of the MSH6 protein (p.Arg1076Gly). This variant is present in population databases (rs63750617, gnomAD 0.0009%). This missense change has been observed in individuals with Lynch syndrome (PMID: 25980754, 30702970; external communication). ClinVar contains an entry for this variant (Variation ID: 428337). Invitae Evidence Modeling incorporating data from in vitro experimental studies (internal data) indicates that this missense variant is expected to disrupt MSH6 function with a positive predictive value of 95%. This variant disrupts the p.Arg1076 amino acid residue in MSH6. Other variant(s) that disrupt this residue have been determined to be pathogenic (PMID: 15483016, 16418736, 16525781, 18409202, 21039432). This suggests that this residue is clinically significant, and that variants that disrupt this residue are likely to be disease-causing. For these reasons, this variant has been classified as Pathogenic.

Ambry Genetics
Classification: Pathogenic for Hereditary cancer-predisposing syndrome. Last evaluated: 2024-11-12. Review status: criteria provided, single submitter. Criteria: Ambry Variant Classification Scheme 2023. Collection method: clinical testing. Allele origin: germline.
Comment: The p.R1076G variant (also known as c.3226C>G), located in coding exon 5 of the MSH6 gene, results from a C to G substitution at nucleotide position 3226. The arginine at codon 1076 is replaced by glycine, an amino acid with dissimilar properties. This alteration has been identified in several individuals who either met clinical criteria for Lynch syndrome or had Lynch syndrome-associated tumors that demonstrated isolated loss of MSH6 protein expression by immunohistochemistry (Ambry internal data). This alteration was identified in 1/1260 individuals undergoing panel testing for Lynch syndrome due to having a diagnosis of a Lynch-associated cancer and/or polyps and was reported as a variant of unknown significance (Yurgelun MB et al. Gastroenterology. 2015 Sep;149:604-13.e20). Another alteration at the same codon, p.R1076C, has been classified as likely pathogenic based on reports of at least five probands with features of CMMR-D who also carried a pathogenic (nonsense/frameshift) MSH6 variant in trans, which suggested bi-allelic mismatch repair inactivation (Plaschke J et al. Eur. J. Hum. Genet. 2006 May;14:561-6; Okkels H et al. Int J Colorectal Dis. 2006 Dec;21:847-50; Rahner N et al. Am. J. Med. Genet. A. 2008 May;146A:1314-9; Jasperson KW et al. Clin. Genet. 2011 Oct;80:394-7). This amino acid position is highly conserved in available vertebrate species. In addition, this alteration is predicted to be deleterious by in silico analysis. Based on the supporting evidence, this variant is interpreted as a disease-causing mutation.

Quest Diagnostics Nichols Institute San Juan Capistrano
Classification: Likely pathogenic. Last evaluated: 2024-09-11. Review status: criteria provided, single submitter. Criteria: Quest Diagnostics criteria. Collection method: clinical testing. Allele origin: unknown.
Comment: The MSH6 c.3226C>G (p.Arg1076Gly) variant has been reported in the published literature in individuals with Lynch syndrome or Lynch syndrome-associated cancer/polyps (PMIDs: 31391288 (2020), 30702970 (2019), 25980754 (2015)). Two other missense variants at this codon, c.3226C>T (p.Arg1076Cys) and c.3227G>A (p.Arg1076His), have been reported as being deleterious in individuals/families with Lynch syndrome (PMIDs: 26832770 (2016), 32635641 (2020), 37088804 (2023)), with the c.3226C>T (p.Arg1076Cys) variant shown to have damaging effects on MSH6 protein function (PMID: 22250089 (2012)). These findings suggest this codon is clinically important, and the disruption of this amino acid is likely to be disease-causing. The frequency of the c.3226C>G (p.Arg1076Gly) variant in the general population, 0.000004 (1/251346 chromosomes (Genome Aggregation Database)), is consistent with pathogenicity. Analysis of this variant using bioinformatics tools for the prediction of the effect of amino acid changes on protein structure and function yielded predictions that this variant is damaging. Based on the available information, this variant is classified as likely pathogenic.

Revvity Omics, Revvity
Classification: Likely pathogenic. Last evaluated: 2022-11-21. Review status: criteria provided, single submitter. Criteria: ACMG Guidelines, 2015. Collection method: clinical testing. Allele origin: germline.

Color Diagnostics, LLC DBA Color Health
Classification: Likely pathogenic for Hereditary cancer-predisposing syndrome. Last evaluated: 2021-07-19. Review status: criteria provided, single submitter. Criteria: ACMG Guidelines, 2015. Collection method: clinical testing. Allele origin: germline.
Comment: This missense variant replaces arginine with glycine at codon 1076 of the MSH6 protein. Computational prediction suggests that this variant may have deleterious impact on protein structure and function (internally defined REVEL score threshold >= 0.7, PMID: 27666373). To our knowledge, functional studies have not been reported for this variant. This variant has been reported in individuals affected with or suspected of having Lynch syndrome (PMID: 25980754; communication with external laboratory: SCV000580189) and in an individual with unspecified cancer (PMID: 31391288). A different missense substitution at this codon (p.Arg1076Cys) has been determined to be pathogenic (Clinvar Variant ID: 89357), which suggests this variant occurs in a critical amino acid. This variant has been identified in 1/251346 chromosomes in the general population by the Genome Aggregation Database (gnomAD). Based on the available evidence, this variant is classified as Likely Pathogenic.

Department of Pathology and Laboratory Medicine, Sinai Health System
Classification: Uncertain significance for Lynch syndrome. Review status: flagged submission. Collection method: clinical testing. Allele origin: unknown. Affected: yes. Observed: 1 variant allele. Study: The Canadian Open Genetics Repository (COGR). Not counted in ClinVar's aggregate classification.
Comment: The p.Arg1076Gly has not been previously reported in the literature or by our laboratory. However, another variant at the same position (c.3226C>T, p.Arg1076Cys) has been reported in 4 individuals, at least 2 of whom had biallelic mutations in the MSH6 gene and in several individuals where microsattelite instability was high and tumour immunohistochemistry demonstrated that MSH6 was deficient (Rahner 2007, Jasperson 2010, Limburg 2011, Plaschke, 2004). In one family with MSH6 biallelic mutations and NF1 like phenotypic features, the p.Arg1076Cys variant segregated with disease in one sibling (Jasperson, 2010_21039432). In another with biallelic MSH6 mutations, the p.Arg1076Cys variant, classic features of biallelic mutations in MSH6 were not observed but early onset colon cancer and SLE was noted (Rahner, 2007_18409202). These findings increase the likelihood that a change in amino acid at the p.Arg1076 position may have clinical significance and that this residue is functionally important. The residue is conserved in mammals, birds and reptiles but not in all invertebrates and computational analyses do not provide consistent predictions regarding the significance of this amino acid alteration and this information is not very helpful in classifying the variant. In summary, based on the above information, the clinical significance of this particular variant: p.Arg1076Gly cannot be determined at this time, although we would lean towards a more pathogenic role, further study would be necessary to evaluate this. This variant is classified as a variant of unknown significance.
ClinVar note: Reason: Outlier claim with insufficient supporting evidence

Literature cited by the submitters: PubMed 25980754 (cited by 4 submitters); PubMed 30702970 (cited by 3 submitters); PubMed 15483016 (cited by Labcorp Genetics (formerly Invitae), Labcorp); PubMed 16418736 (cited by Labcorp Genetics (formerly Invitae), Labcorp and Ambry Genetics); PubMed 16525781 (cited by Labcorp Genetics (formerly Invitae), Labcorp and Ambry Genetics); PubMed 18409202 (cited by Labcorp Genetics (formerly Invitae), Labcorp and Ambry Genetics); PubMed 21039432 (cited by Labcorp Genetics (formerly Invitae), Labcorp and Ambry Genetics); PubMed 29641532 (cited by Ambry Genetics); PubMed 31391288 (cited by Quest Diagnostics Nichols Institute San Juan Capistrano).